The following is an entry in ClinVar:

NM_001105206.3(LAMA4):c.266A>G (p.Asn89Ser)

Gene: LAMA4 (laminin subunit alpha 4; minus strand). Cytogenetic location: 6q21.
Variant type: single nucleotide variant.
Coding change: c.266A>G on transcript NM_001105206.3 (MANE Select); coding-DNA position 266, A replaced by G.
Protein change: p.Asn89Ser; replaces asparagine 89 with serine.
Molecular consequence: missense variant.
Genome position (GRCh38, 1-based): chr6:112,216,399, T>C on the plus strand (A>G on the coding strand, the complement: LAMA4 is on the minus strand). VCF-style: chr6-112216399-T-C. GRCh37 (hg19) VCF-style: chr6-112537600-T-C.
Other names: c.266A>G, p.Asn89Ser (NM_001105207.3, NM_002290.5); short protein forms N89S.
Identifiers: ClinVar variation 2180227 (VCV002180227.5), dbSNP rs782722022, ClinGen allele CA3966258.

ClinVar aggregate classification (germline): Uncertain significance. Review status: criteria provided, multiple submitters, no conflicts (2 of 4 stars). 2 submissions from 2 submitters: Uncertain significance (2). Last evaluated 2024-03-05.

Conditions:
Cardiovascular phenotype. Identifiers: MedGen CN230736.
Dilated cardiomyopathy 1JJ (CMD1JJ). Identifiers: Orphanet 154, MedGen C3808935, MONDO:0014095, OMIM 615235.

Allele frequency attached by ClinVar (database versions not stated): gnomAD exomes below 0.00001; ExAC 0.00001; gnomAD 0.00003; TOPMed 0.00005.
gnomAD v4.1: 6 of 1,613,902 alleles (0.00037%); highest among the groups gnomAD compares: African/African-American, 0.0053%; no homozygotes.

Submissions (2):

Ambry Genetics
Classification: Uncertain significance for Cardiovascular phenotype. Last evaluated: 2024-03-05. Review status: criteria provided, single submitter. Criteria: Ambry Variant Classification Scheme 2023. Collection method: clinical testing. Allele origin: germline.
Comment: The p.N89S variant (also known as c.266A>G), located in coding exon 2 of the LAMA4 gene, results from an A to G substitution at nucleotide position 266. The asparagine at codon 89 is replaced by serine, an amino acid with highly similar properties. This amino acid position is not well conserved in available vertebrate species. In addition, the in silico prediction for this alteration is inconclusive. The evidence for this gene-disease relationship is limited; therefore, the clinical significance of this alteration is unclear.

Labcorp Genetics (formerly Invitae), Labcorp
Classification: Uncertain significance for Dilated cardiomyopathy 1JJ. Last evaluated: 2022-05-06. Review status: criteria provided, single submitter. Criteria: Invitae Variant Classification Sherloc (09022015). Collection method: clinical testing. Allele origin: germline.
Comment: In summary, the available evidence is currently insufficient to determine the role of this variant in disease. Therefore, it has been classified as a Variant of Uncertain Significance. Algorithms developed to predict the effect of missense changes on protein structure and function (SIFT, PolyPhen-2, Align-GVGD) all suggest that this variant is likely to be tolerated. This variant has not been reported in the literature in individuals affected with LAMA4-related conditions. This variant is present in population databases (rs782722022, gnomAD 0.004%). This sequence change replaces asparagine, which is neutral and polar, with serine, which is neutral and polar, at codon 89 of the LAMA4 protein (p.Asn89Ser).